The following is an entry in ClinVar:

ClinVar aggregate classification (germline): Uncertain significance. Review status: criteria provided, multiple submitters, no conflicts (2 of 4 stars). 2 submissions from 2 submitters: Uncertain significance (2). Last evaluated 2023-12-31.

Conditions:
Hereditary cancer-predisposing syndrome. Also called: Tumor predisposition; Neoplastic Syndromes, Hereditary; Hereditary neoplastic syndrome; Hereditary Cancer Syndrome. Identifiers: Orphanet 140162, MedGen C0027672, MeSH D009386, MONDO:0015356.
Ataxia-telangiectasia syndrome (AT). Also called: Ataxia-telangiectasia, complementation group D; AT, COMPLEMENTATION GROUP C; ATAXIA-TELANGIECTASIA, COMPLEMENTATION GROUP A; ATAXIA-TELANGIECTASIA, FRESNO VARIANT; Ataxia-telangiectasia; Ataxia telangiectasia (A-T). Identifiers: Orphanet 100, MedGen C0004135, MONDO:0008840, OMIM 208900.

Allele frequency attached by ClinVar (database versions not stated): TOPMed below 0.00001.

Submissions (2):

Ambry Genetics
Classification: Uncertain significance for Hereditary cancer-predisposing syndrome. Last evaluated: 2023-12-31. Review status: criteria provided, single submitter. Criteria: Ambry Variant Classification Scheme 2023. Collection method: clinical testing. Allele origin: germline.
Comment: The p.V2774A variant (also known as c.8321T>C), located in coding exon 56 of the ATM gene, results from a T to C substitution at nucleotide position 8321. The valine at codon 2774 is replaced by alanine, an amino acid with similar properties. This amino acid position is conserved. In addition, this alteration is predicted to be tolerated by in silico analysis. Since supporting evidence is limited at this time, the clinical significance of this alteration remains unclear.

Labcorp Genetics (formerly Invitae), Labcorp
Classification: Uncertain significance for Ataxia-telangiectasia syndrome. Last evaluated: 2019-10-31. Review status: criteria provided, single submitter. Criteria: Invitae Variant Classification Sherloc (09022015). Collection method: clinical testing. Allele origin: germline.
Comment: In summary, the available evidence is currently insufficient to determine the role of this variant in disease. Therefore, it has been classified as a Variant of Uncertain Significance. Algorithms developed to predict the effect of missense changes on protein structure and function (SIFT, PolyPhen-2, Align-GVGD) all suggest that this variant is likely to be tolerated, but these predictions have not been confirmed by published functional studies and their clinical significance is uncertain. This variant has not been reported in the literature in individuals with ATM-related conditions. This variant is not present in population databases (ExAC no frequency). This sequence change replaces valine with alanine at codon 2774 of the ATM protein (p.Val2774Ala). The valine residue is moderately conserved and there is a small physicochemical difference between valine and alanine.

NM_000051.4(ATM):c.8321T>C (p.Val2774Ala)

Genes: ATM (ATM serine/threonine kinase; plus strand), C11orf65 (chromosome 11 open reading frame 65; minus strand). Cytogenetic location: 11q22.3.
Variant type: single nucleotide variant.
Coding change: c.8321T>C on transcript NM_000051.4 (MANE Select); coding-DNA position 8321, T replaced by C.
Protein change: p.Val2774Ala; replaces valine 2774 with alanine.
Molecular consequence: missense variant. On other transcripts: intron variant (2).
Genome position (GRCh38, 1-based): chr11:108,343,274, T>C. VCF-style: chr11-108343274-T-C. GRCh37 (hg19) VCF-style: chr11-108214001-T-C.
Other names: c.8321T>C, p.Val2774Ala (NM_001351834.2); c.641-34203A>G (NM_001330368.2); c.695-7982A>G (NM_001351110.2); short protein forms V2774A.
Identifiers: ClinVar variation 956933 (VCV000956933.11), dbSNP rs776988084, ClinGen allele CA228364814.